The following is an entry in ClinVar:

ClinVar aggregate classification (germline): Uncertain significance (0 of 4 stars; one submission).

Conditions:
GRIN1-related disorder. Also called: GRIN1-related condition.

Submission:

PreventionGenetics, part of Exact Sciences
Classification: Uncertain significance for GRIN1-related condition. Last evaluated: 2024-06-19. Review status: no assertion criteria provided. Collection method: clinical testing. Allele origin: germline.
Comment: The GRIN1 c.1336A>G variant is predicted to result in the amino acid substitution p.Ser446Gly. To our knowledge, this variant has not been reported in the literature or in a large population database, indicating this variant is rare. At this time, the clinical significance of this variant is uncertain due to the absence of conclusive functional and genetic evidence.

NM_007327.4(GRIN1):c.1336A>G (p.Ser446Gly)

Gene: GRIN1 (glutamate ionotropic receptor NMDA type subunit 1; plus strand). Cytogenetic location: 9q34.3.
Variant type: single nucleotide variant.
Coding change: c.1336A>G on transcript NM_007327.4 (MANE Select); coding-DNA position 1336, A replaced by G.
Protein change: p.Ser446Gly; replaces serine 446 with glycine.
Molecular consequence: missense variant.
Genome position (GRCh38, 1-based): chr9:137,161,194, A>G. VCF-style: chr9-137161194-A-G. GRCh37 (hg19) VCF-style: chr9-140055646-A-G.
Other names: c.1336A>G, p.Ser446Gly (NM_000832.7, NM_021569.4); c.1399A>G, p.Ser467Gly (NM_001185090.2, NM_001185091.2); short protein forms S446G, S467G.
Identifiers: ClinVar variation 3345417 (VCV003345417.1).